The following is an entry in ClinVar:

NM_000168.6(GLI3):c.1024A>G (p.Ile342Val)

Gene: GLI3 (GLI family zinc finger 3; minus strand). Cytogenetic location: 7p14.1.
Variant type: single nucleotide variant.
Coding change: c.1024A>G on transcript NM_000168.6 (MANE Select); coding-DNA position 1024, A replaced by G.
Protein change: p.Ile342Val; replaces isoleucine 342 with valine.
Molecular consequence: missense variant.
Genome position (GRCh38, 1-based): chr7:42,040,042, T>C on the plus strand (A>G on the coding strand, the complement: GLI3 is on the minus strand). VCF-style: chr7-42040042-T-C. GRCh37 (hg19) VCF-style: chr7-42079641-T-C.
Other names: short protein forms I342V.
Identifiers: ClinVar variation 648336 (VCV000648336.9), dbSNP rs771132000, ClinGen allele CA4230997.

ClinVar aggregate classification (germline): Uncertain significance. Review status: criteria provided, multiple submitters, no conflicts (2 of 4 stars). 4 submissions from 4 submitters: Uncertain significance (4). Last evaluated 2025-05-20.

Conditions:
Polydactyly, postaxial, type A1. Identifiers: MedGen C4282400, MONDO:0008266, OMIM 174200.
Pallister-Hall syndrome (PHS). Also called: GLI3-Related Pallister-Hall Syndrome; HYPOTHALAMIC HAMARTOBLASTOMA, HYPOPITUITARISM, IMPERFORATE ANUS, AND POSTAXIAL POLYDACTYLY. Identifiers: Orphanet 672, MedGen C0265220, MONDO:0007804, OMIM 146510.
Polysyndactyly 4. Also called: Polysyndactyly uncomplicated; Preaxial polydactyly 4. Identifiers: Orphanet 93338, MedGen C1868111, MONDO:0008272, OMIM 174700.
Greig cephalopolysyndactyly syndrome (GCPS). Also called: Greig syndrome; GLI3-Related Greig Cephalopolysyndactyly Syndrome; POLYSYNDACTYLY WITH PECULIAR SKULL SHAPE. Identifiers: Orphanet 380, MedGen C0265306, MONDO:0008287, OMIM 175700.
Inborn genetic diseases. Identifiers: MedGen C0950123, MeSH D030342.

Allele frequency attached by ClinVar (database versions not stated): gnomAD exomes 0.00001; ExAC 0.00002.
gnomAD v4.1: 21 of 1,607,542 alleles (0.0013%); highest among the groups gnomAD compares: Non-Finnish European, 0.0016%; no homozygotes.

Submissions (4):

Ambry Genetics
Classification: Uncertain significance for Inborn genetic diseases. Last evaluated: 2025-05-20. Review status: criteria provided, single submitter. Criteria: Ambry Variant Classification Scheme 2023. Collection method: clinical testing. Allele origin: germline.

Labcorp Genetics (formerly Invitae), Labcorp
Classification: Uncertain significance for Pallister-Hall syndrome; Greig cephalopolysyndactyly syndrome. Last evaluated: 2022-03-13. Review status: criteria provided, single submitter. Criteria: Invitae Variant Classification Sherloc (09022015). Collection method: clinical testing. Allele origin: germline.
Comment: In summary, the available evidence is currently insufficient to determine the role of this variant in disease. Therefore, it has been classified as a Variant of Uncertain Significance. Algorithms developed to predict the effect of missense changes on protein structure and function are either unavailable or do not agree on the potential impact of this missense change (SIFT: "Deleterious"; PolyPhen-2: "Benign"; Align-GVGD: "Class C25"). ClinVar contains an entry for this variant (Variation ID: 648336). This variant has not been reported in the literature in individuals affected with GLI3-related conditions. This variant is present in population databases (rs771132000, gnomAD 0.002%). This sequence change replaces isoleucine, which is neutral and non-polar, with valine, which is neutral and non-polar, at codon 342 of the GLI3 protein (p.Ile342Val).

Fulgent Genetics
Classification: Uncertain significance for Pallister-Hall syndrome; Polydactyly, postaxial, type A1; Polysyndactyly 4; Greig cephalopolysyndactyly syndrome. Last evaluated: 2022-02-03. Review status: criteria provided, single submitter. Criteria: ACMG Guidelines, 2015. Collection method: clinical testing. Allele origin: unknown.

Department of Pathology and Laboratory Medicine, Sinai Health System
Classification: Uncertain significance for Pallister-Hall syndrome; Polydactyly, postaxial, type A1; Polysyndactyly 4; Greig cephalopolysyndactyly syndrome. Last evaluated: 2021-09-16. Review status: criteria provided, single submitter. Criteria: ACMG Guidelines, 2015. Collection method: research. Allele origin: germline.